The following is an entry in ClinVar:

ClinVar aggregate classification (germline): Likely benign (1 of 4 stars; one submission).

Submission:

Laboratory for Molecular Medicine, Mass General Brigham Personalized Medicine
Classification: Likely benign. Last evaluated: 2017-08-17. Review status: criteria provided, single submitter. Criteria: LMM Criteria. Collection method: clinical testing. Allele origin: germline. Observed: 1 variant allele.
Comment: p.His100His in exon 2 of GJB2: This variant is not expected to have clinical sig nificance because it does not alter an amino acid residue and is not located wit hin the splice consensus sequence.

NM_004004.6(GJB2):c.300T>C (p.His100=)

Gene: GJB2 (gap junction protein beta 2; minus strand). Cytogenetic location: 13q12.11.
Variant type: single nucleotide variant.
Coding change: c.300T>C on transcript NM_004004.6 (MANE Select); coding-DNA position 300, T replaced by C.
Protein change: p.His100=; no amino-acid change (histidine 100 retained).
Molecular consequence: synonymous variant.
Genome position (GRCh38, 1-based): chr13:20,189,282, A>G on the plus strand (T>C on the coding strand, the complement: GJB2 is on the minus strand). VCF-style: chr13-20189282-A-G. GRCh37 (hg19) VCF-style: chr13-20763421-A-G.
Identifiers: ClinVar variation 517502 (VCV000517502.4), dbSNP rs1317569039, ClinGen allele CA483153745.